The following is an entry in ClinVar:

ClinVar aggregate classification (germline): Uncertain significance (1 of 4 stars; one submission).

Conditions:
Pheochromocytoma/paraganglioma syndrome 5. Also called: Paragangliomas 5; SDHA-Related Hereditary Paraganglioma-Pheochromocytoma Syndrome. Identifiers: Orphanet 29072, MedGen C3279992, MONDO:0013602, OMIM 614165.
Mitochondrial complex II deficiency, nuclear type 1. Also called: SUCCINATE CoQ REDUCTASE DEFICIENCY. Identifiers: Orphanet 3208, MedGen C5700310, MONDO:0100294, OMIM 252011.

Submission:

Labcorp Genetics (formerly Invitae), Labcorp
Classification: Uncertain significance for Pheochromocytoma/paraganglioma syndrome 5; Mitochondrial complex II deficiency, nuclear type 1. Last evaluated: 2022-01-16. Review status: criteria provided, single submitter. Criteria: Invitae Variant Classification Sherloc (09022015). Collection method: clinical testing. Allele origin: germline.
Comment: In summary, the available evidence is currently insufficient to determine the role of this variant in disease. Therefore, it has been classified as a Variant of Uncertain Significance. Advanced modeling of protein sequence and biophysical properties (such as structural, functional, and spatial information, amino acid conservation, physicochemical variation, residue mobility, and thermodynamic stability) performed at Invitae indicates that this missense variant is expected to disrupt SDHA protein function. This variant has not been reported in the literature in individuals affected with SDHA-related conditions. This variant is not present in population databases (gnomAD no frequency). This sequence change replaces histidine, which is basic and polar, with asparagine, which is neutral and polar, at codon 122 of the SDHA protein (p.His122Asn).

NM_004168.4(SDHA):c.364C>A (p.His122Asn)

Gene: SDHA (succinate dehydrogenase complex flavoprotein subunit A; plus strand). Cytogenetic location: 5p15.33.
Variant type: single nucleotide variant.
Coding change: c.364C>A on transcript NM_004168.4 (MANE Select); coding-DNA position 364, C replaced by A.
Protein change: p.His122Asn; replaces histidine 122 with asparagine.
Molecular consequence: missense variant. On other transcripts: intron variant (1).
Genome position (GRCh38, 1-based): chr5:225,470, C>A. VCF-style: chr5-225470-C-A. GRCh37 (hg19) VCF-style: chr5-225585-C-A.
Other names: c.364C>A, p.His122Asn (NM_001330758.2); c.313-413C>A (NM_001294332.2); short protein forms H122N.
Identifiers: ClinVar variation 2085213 (VCV002085213.4), dbSNP rs2126546953, ClinGen allele CA359009325.
Genomic context (GRCh38, chr5:225,470, plus strand): 5'-TGTTTCCAGGGAGGAATCAATGCTGCTCTGGGGAACATGGAGGAGGACAACTGGAGGTGG[C>A]ATTTCTACGACACCGTGAAGGGCTCCGACTGGCTGGGGGACCAGGATGCCATCCACTACA-3'
Protein context (NP_004159.2, residues 112-132): GNMEEDNWRW[His122Asn]FYDTVKGSDW